The following is an entry in ClinVar:

ClinVar aggregate classification (germline): Uncertain significance (1 of 4 stars; one submission).

Conditions:
Inborn genetic diseases. Identifiers: MedGen C0950123, MeSH D030342.

Submission:

Ambry Genetics
Classification: Uncertain significance for Inborn genetic diseases. Last evaluated: 2023-04-14. Review status: criteria provided, single submitter. Criteria: Ambry Variant Classification Scheme 2023. Collection method: clinical testing. Allele origin: germline.
Comment: The p.A256G variant (also known as c.767C>G), located in coding exon 7 of the LRRK2 gene, results from a C to G substitution at nucleotide position 767. The alanine at codon 256 is replaced by glycine, an amino acid with similar properties. This amino acid position is conserved. In addition, the in silico prediction for this alteration is inconclusive. Since supporting evidence is limited at this time, the clinical significance of this alteration remains unclear.

NM_198578.4(LRRK2):c.767C>G (p.Ala256Gly)

Gene: LRRK2 (leucine rich repeat kinase 2; plus strand). Cytogenetic location: 12q12.
Variant type: single nucleotide variant.
Coding change: c.767C>G on transcript NM_198578.4 (MANE Select); coding-DNA position 767, C replaced by G.
Protein change: p.Ala256Gly; replaces alanine 256 with glycine.
Molecular consequence: missense variant.
Genome position (GRCh38, 1-based): chr12:40,243,610, C>G. VCF-style: chr12-40243610-C-G. GRCh37 (hg19) VCF-style: chr12-40637412-C-G.
Other names: short protein forms A256G.
Identifiers: ClinVar variation 2567361 (VCV002567361.2), dbSNP rs2499455767, ClinGen allele CA384405878.